The following is an entry in ClinVar:

NM_001943.5(DSG2):c.2343_2344insAAGA (p.Ser782fs)

Genes: DSG2 (desmoglein 2; plus strand), DSG2-AS1 (DSG2 antisense RNA 1; minus strand). Cytogenetic location: 18q12.1.
Variant type: Insertion.
Coding change: c.2343_2344insAAGA on transcript NM_001943.5 (MANE Select); coding-DNA positions 2343 to 2344, AAGA inserted.
Protein change: p.Ser782fs; shifts the reading frame from serine 782.
Molecular consequence: frameshift variant.
Genome position: GRCh38 VCF-style: chr18-31545729-C-CAAGA. GRCh37 (hg19) VCF-style: chr18-29125692-C-CAAGA.
Other names: c.2343_2344insAAGA (NM_001943.3); short protein forms S782fs.
Identifiers: ClinVar variation 921330 (VCV000921330.14), dbSNP rs1252006527, ClinGen allele CA778423877.

ClinVar aggregate classification (germline): Conflicting classifications of pathogenicity. Review status: criteria provided, conflicting classifications (1 of 4 stars). 4 submissions from 4 submitters: Pathogenic (1); Likely pathogenic (1); Uncertain significance (2). Last evaluated 2025-04-01.

Conditions:
Arrhythmogenic right ventricular cardiomyopathy (ARVD). Also called: Arrhythmogenic cardiomyopathy; Cardiomyopathy, ARVC; Arrhythmogenic right ventricular dysplasia; Arrhythmogenic Right Ventricular Cardiomyopathy (ARVC). Identifiers: Orphanet 247, MedGen C0349788, MeSH D019571, MONDO:0016587. Disease mechanism: loss of function. Inheritance: Various modes of inheritance.
Cardiomyopathy (CMYO). Also called: Cardiomyopathies. Identifiers: Orphanet 167848, MedGen C0878544, MONDO:0004994, HP:0001638. Inheritance: Various modes of inheritance.
Arrhythmogenic right ventricular dysplasia 10. Also called: Arrhythmogenic Right Ventricular Dysplasia/Cardiomyopathy10; ARRHYTHMOGENIC RIGHT VENTRICULAR DYSPLASIA, FAMILIAL, 10; Arrhythmogenic right ventricular dysplasia/cardiomyopathy, type 10. Identifiers: MedGen C1857777, MONDO:0012434, OMIM 610193.

Allele frequency attached by ClinVar (database versions not stated): gnomAD exomes below 0.00001; TOPMed 0.00001.

Submissions (4):

GeneDx
Classification: Likely pathogenic. Last evaluated: 2025-04-01. Review status: criteria provided, single submitter. Criteria: GeneDx Variant Classification Process June 2021. Collection method: clinical testing. Allele origin: germline. Affected: yes.
Comment: Frameshift variant predicted to result in abnormal protein length as the last 337 amino acid(s) are replaced with 4 different amino acid(s), and other similar variants have been reported in HGMD; Not observed at significant frequency in large population cohorts (gnomAD); Identified in a large biobank cohort, however, individual clinical data was not provided (PMID: 33087929); This variant is associated with the following publications: (PMID: 33087929)

All of Us Research Program, National Institutes of Health
Classification: Uncertain significance for Arrhythmogenic right ventricular cardiomyopathy. Last evaluated: 2023-05-30. Review status: criteria provided, single submitter. Criteria: ACMG Guidelines, 2015. Collection method: clinical testing. Allele origin: germline. Inheritance: Autosomal dominant inheritance. Observed: 1 variant allele, 1 heterozygote.
Comment: Variant of Uncertain Significance due to insufficient evidence: This variant inserts 4 nucleotides in exon 15 of the DSG2 gene, creating a frameshift and premature translation stop signal. This truncation occurs in the last exon that encodes a cytoplasmic region and is expected to result in an absent or non-functional protein product. To our knowledge, functional assays have not been performed for this variant nor has this variant been reported in individuals affected with cardiovascular disorders in the literature. This variant is rare in the general population and has been identified in 0/277264 chromosomes by the Genome Aggregation Database (gnomAD). The role of DSG2 truncation variants in cardiomyopathy is not clearly established. Available evidence is insufficient to determine the pathogenicity of this variant conclusively.

This study involves interpretation of variants in research participants for the purpose of population health screening. Participant phenotype was not available at the time of variant classification. Additional details can be found in publication PMID: 35346344, PMCID: PMC8962531

Color Diagnostics, LLC DBA Color Health
Classification: Uncertain significance for Cardiomyopathy. Last evaluated: 2023-05-10. Review status: criteria provided, single submitter. Criteria: ACMG Guidelines, 2015. Collection method: clinical testing. Allele origin: germline.
Comment: This variant inserts 4 nucleotides in exon 15 of the DSG2 gene, creating a frameshift and premature translation stop signal in the last exon. The mutant transcript is expected to escape nonsense-mediated decay and be expressed as a protein product containing altered C-terminal sequence. To our knowledge, this variant has not been reported in individuals affected with DSG2-related disorders in the literature. This variant has not been identified in the general population by the Genome Aggregation Database (gnomAD). The available evidence is insufficient to determine the role of this variant in disease conclusively. Therefore, this variant is classified as a Variant of Uncertain Significance.

Labcorp Genetics (formerly Invitae), Labcorp
Classification: Pathogenic for Arrhythmogenic right ventricular dysplasia 10. Last evaluated: 2022-03-08. Review status: criteria provided, single submitter. Criteria: Invitae Variant Classification Sherloc (09022015). Collection method: clinical testing. Allele origin: germline.
Comment: This variant has not been reported in the literature in individuals affected with DSG2-related conditions. For these reasons, this variant has been classified as Pathogenic. This variant disrupts a region of the DSG2 protein in which other variant(s) (p.Glu1020Alafs*18) have been determined to be pathogenic (PMID: 20864495, 21397041, 23381804). This suggests that this is a clinically significant region of the protein, and that variants that disrupt it are likely to be disease-causing. ClinVar contains an entry for this variant (Variation ID: 921330). This variant is not present in population databases (gnomAD no frequency). This sequence change creates a premature translational stop signal (p.Ser782Lysfs*5) in the DSG2 gene. While this is not anticipated to result in nonsense mediated decay, it is expected to disrupt the last 337 amino acid(s) of the DSG2 protein.

Literature cited by the submitters: PubMed 20864495 (cited by Labcorp Genetics (formerly Invitae), Labcorp); PubMed 21397041 (cited by Labcorp Genetics (formerly Invitae), Labcorp); PubMed 23381804 (cited by Labcorp Genetics (formerly Invitae), Labcorp).